The following is an entry in ClinVar:

NM_006267.5(RANBP2):c.7066G>A (p.Asp2356Asn)

Gene: RANBP2 (RAN binding protein 2; plus strand). Cytogenetic location: 2q13.
Variant type: single nucleotide variant.
Coding change: c.7066G>A on transcript NM_006267.5 (MANE Select); coding-DNA position 7066, G replaced by A.
Protein change: p.Asp2356Asn; replaces aspartic acid 2356 with asparagine.
Molecular consequence: missense variant.
Genome position (GRCh38, 1-based): chr2:108,767,605, G>A. VCF-style: chr2-108767605-G-A. GRCh37 (hg19) VCF-style: chr2-109384061-G-A.
Other names: short protein forms D2356N.
Identifiers: ClinVar variation 469481 (VCV000469481.13), dbSNP rs377422691, ClinGen allele CA1823536.

ClinVar aggregate classification (germline): Uncertain significance. Review status: criteria provided, multiple submitters, no conflicts (2 of 4 stars). 2 submissions from 2 submitters: Uncertain significance (2). Last evaluated 2023-05-26.

Conditions:
Familial acute necrotizing encephalopathy (IIAE3). Also called: Susceptibility to Acute Necrotizing Encephalopathy 1; ENCEPHALOPATHY, ACUTE, INFECTION-INDUCED, SUSCEPTIBILITY TO, 3. Identifiers: Orphanet 88619, MedGen C2675556, MONDO:0011953, OMIM 608033.

Allele frequency attached by ClinVar (database versions not stated): ExAC 0.00004; gnomAD exomes 0.00004; ESP Exome Variant Server 0.00008; gnomAD 0.00019 and 0.00021; TOPMed 0.00024.
gnomAD v4.1: 52 of 1,611,822 alleles (0.0032%); highest among the groups gnomAD compares: African/African-American, 0.067%; no homozygotes.

Submissions (2):

Ambry Genetics
Classification: Uncertain significance. Last evaluated: 2023-05-26. Review status: criteria provided, single submitter. Criteria: Ambry Variant Classification Scheme 2023. Collection method: clinical testing. Allele origin: germline.

Labcorp Genetics (formerly Invitae), Labcorp
Classification: Uncertain significance for Familial acute necrotizing encephalopathy. Last evaluated: 2022-07-12. Review status: criteria provided, single submitter. Criteria: Invitae Variant Classification Sherloc (09022015). Collection method: clinical testing. Allele origin: germline.
Comment: In summary, the available evidence is currently insufficient to determine the role of this variant in disease. Therefore, it has been classified as a Variant of Uncertain Significance. Algorithms developed to predict the effect of missense changes on protein structure and function are either unavailable or do not agree on the potential impact of this missense change (SIFT: "Deleterious"; PolyPhen-2: "Benign"; Align-GVGD: "Class C15"). ClinVar contains an entry for this variant (Variation ID: 469481). This variant has not been reported in the literature in individuals affected with RANBP2-related conditions. This variant is present in population databases (rs377422691, gnomAD 0.06%), and has an allele count higher than expected for a pathogenic variant. This sequence change replaces aspartic acid, which is acidic and polar, with asparagine, which is neutral and polar, at codon 2356 of the RANBP2 protein (p.Asp2356Asn).